The following is an entry in ClinVar:

ClinVar aggregate classification (germline): Pathogenic (1 of 4 stars; one submission).

Conditions:
Deficiency of acetyl-CoA acetyltransferase. Also called: 3-KETOTHIOLASE DEFICIENCY; 3-OXOTHIOLASE DEFICIENCY; MITOCHONDRIAL ACETOACETYL-CoA THIOLASE DEFICIENCY; Beta-ketothiolase deficiency. Identifiers: Orphanet 134, MedGen C1536500, MONDO:0008760, OMIM 203750. Disease mechanism: loss of function.

Submission:

Myriad Genetics, Inc.
Classification: Pathogenic for Deficiency of acetyl-CoA acetyltransferase. Last evaluated: 2025-09-01. Review status: criteria provided, single submitter. Criteria: Myriad Autosomal Dominant, Autosomal Recessive and X-Linked Classification Criteria (2023). Collection method: clinical testing. Allele origin: unknown.
Comment: NM_000019.3(ACAT1):c.661delA(R221Efs*22) is expected to be pathogenic in the context of beta-ketothiolase deficiency. This variant is predicted to lead to an abnormal or absent protein product due to the creation of a premature termination codon in ACAT1, a gene where loss-of-function variants are known to be pathogenic. Please note: this variant was assessed in the context of healthy population screening.

NM_000019.4(ACAT1):c.661del (p.Arg221fs)

Gene: ACAT1 (acetyl-CoA acetyltransferase 1; plus strand). Cytogenetic location: 11q22.3.
Variant type: Deletion.
Coding change: c.661del on transcript NM_000019.4 (MANE Select); coding-DNA position 661, one base deleted (A; older notation c.661delA).
Protein change: p.Arg221fs; shifts the reading frame from arginine 221.
Molecular consequence: frameshift variant. On other transcripts: non-coding transcript variant (2).
Genome position (GRCh38, 1-based): chr11:108,140,146, A deleted. VCF-style (leftmost placement, unchanged base first): chr11-108140145-CA-C. GRCh37 (hg19) VCF-style: chr11-108010872-CA-C.
Other names: c.661del, p.Arg221fs (NM_001386677.1); c.346del, p.Arg116fs (NM_001386678.1); c.364del, p.Arg122fs (NM_001386679.1); c.391del, p.Arg131fs (NM_001386681.1, NM_001386682.1, NM_001386685.1 and 6 more transcripts); short protein forms R116fs, R122fs, R131fs, R221fs.
Identifiers: ClinVar variation 5014930 (VCV005014930.1).